The following is an entry in ClinVar:

NM_001367721.1(CASK):c.1295T>G (p.Leu432Ter)

Gene: CASK (calcium/calmodulin dependent serine protein kinase; minus strand). Cytogenetic location: Xp11.4.
Variant type: single nucleotide variant.
Coding change: c.1295T>G on transcript NM_001367721.1 (MANE Select); coding-DNA position 1295, T replaced by G.
Protein change: p.Leu432Ter; replaces leucine 432 with a stop codon.
Molecular consequence: nonsense.
Genome position (GRCh38, 1-based): chrX:41,586,926, A>C on the plus strand (T>G on the coding strand, the complement: CASK is on the minus strand). VCF-style: chrX-41586926-A-C. GRCh37 (hg19) VCF-style: chrX-41446179-A-C.
Other names: c.1295T>G, p.Leu432Ter (NM_001126054.3, NM_003688.4); c.1277T>G, p.Leu426Ter (NM_001126055.3, NM_001410745.1); short protein forms L426*, L432*.
Identifiers: ClinVar variation 4885767 (VCV004885767.2).

ClinVar aggregate classification (germline): Likely pathogenic (1 of 4 stars; one submission).

Submission:

Dasa
Classification: Likely pathogenic. Last evaluated: 2026-02-05. Review status: criteria provided, single submitter. Criteria: DASA Assertion Criteria. Collection method: clinical testing. Allele origin: germline.
Comment: NM_001367721.1(CASK):c.1295T>G (p.Leu432*) is a nonsense variant in CASK predicted to introduce a premature termination codon and is predicted to result in an absent or altered protein product. Loss of function is an established disease mechanism for CASK-associated disorders. Also, this variant is absent from population databases. Based on the currently available evidence, this variant is classified as likely pathogenic.